The following is an entry in ClinVar:

ClinVar aggregate classification (germline): Uncertain significance. Review status: criteria provided, multiple submitters, no conflicts (2 of 4 stars). 3 submissions from 3 submitters: Uncertain significance (3). Last evaluated 2022-03-06.

Conditions:
RFT1-congenital disorder of glycosylation (CDG1N). Also called: Congenital disorder of glycosylation type In; CDG In; RFT1-CDG. Identifiers: Orphanet 244310, MedGen C2677590, MONDO:0012783, OMIM 612015.

Allele frequency attached by ClinVar (database versions not stated): gnomAD exomes 0.00002 and 0.00003; TOPMed 0.00005; gnomAD 0.00006 and 0.00007; ESP Exome Variant Server 0.00008.
gnomAD v4.1: 51 of 1,613,642 alleles (0.0032%); highest among the groups gnomAD compares: East Asian, 0.0089%; no homozygotes.

Submissions (3):

Labcorp Genetics (formerly Invitae), Labcorp
Classification: Uncertain significance for RFT1-congenital disorder of glycosylation. Last evaluated: 2022-03-06. Review status: criteria provided, single submitter. Criteria: Invitae Variant Classification Sherloc (09022015). Collection method: clinical testing. Allele origin: germline.
Comment: This sequence change replaces arginine, which is basic and polar, with cysteine, which is neutral and slightly polar, at codon 373 of the RFT1 protein (p.Arg373Cys). This variant is present in population databases (rs375524916, gnomAD 0.005%). This variant has not been reported in the literature in individuals affected with RFT1-related conditions. ClinVar contains an entry for this variant (Variation ID: 346185). Algorithms developed to predict the effect of missense changes on protein structure and function are either unavailable or do not agree on the potential impact of this missense change (SIFT: "Deleterious"; PolyPhen-2: "Benign"; Align-GVGD: "Class C15"). In summary, the available evidence is currently insufficient to determine the role of this variant in disease. Therefore, it has been classified as a Variant of Uncertain Significance.

Baylor Genetics
Classification: Uncertain significance for RFT1-congenital disorder of glycosylation. Last evaluated: 2018-06-22. Review status: criteria provided, single submitter. Criteria: ACMG Guidelines, 2015. Collection method: clinical testing. Allele origin: paternal. Affected: yes.
Comment: This variant was determined to be of uncertain significance according to ACMG Guidelines, 2015 [PMID:25741868].

Illumina Laboratory Services, Illumina
Classification: Uncertain significance for RFT1-congenital disorder of glycosylation. Last evaluated: 2018-01-12. Review status: criteria provided, single submitter. Criteria: ICSL Variant Classification Criteria 13 December 2019. Collection method: clinical testing. Allele origin: germline.

NM_052859.4(RFT1):c.1117C>T (p.Arg373Cys)

Gene: RFT1 (RFT1 glycolipid translocator homolog; minus strand). Cytogenetic location: 3p21.1.
Variant type: single nucleotide variant.
Coding change: c.1117C>T on transcript NM_052859.4 (MANE Select); coding-DNA position 1117, C replaced by T.
Protein change: p.Arg373Cys; replaces arginine 373 with cysteine.
Molecular consequence: missense variant.
Genome position (GRCh38, 1-based): chr3:53,099,472, G>A on the plus strand (C>T on the coding strand, the complement: RFT1 is on the minus strand). VCF-style: chr3-53099472-G-A. GRCh37 (hg19) VCF-style: chr3-53133488-G-A.
Other names: short protein forms R373C.
Identifiers: ClinVar variation 346185 (VCV000346185.8), dbSNP rs375524916, ClinGen allele CA10616443.